The following is an entry in ClinVar:

ClinVar aggregate classification (germline): Conflicting classifications of pathogenicity. Review status: criteria provided, conflicting classifications (1 of 4 stars). 4 submissions from 4 submitters: Uncertain significance (3); Likely benign (1). Last evaluated 2026-02-03.

Conditions:
Alagille syndrome due to a JAG1 point mutation. Also called: JAG1-Related Alagille Syndrome; Alagille Syndrome 1; HEPATIC DUCTULAR HYPOPLASIA, SYNDROMATIC. Identifiers: Orphanet 261619, Orphanet 52, MedGen C1956125, MONDO:0016862, OMIM 118450.
JAG1-related disorder. Also called: JAG1-related disorders; JAG1-related condition.

Allele frequency attached by ClinVar (database versions not stated): gnomAD exomes 0.00001 and 0.00002; TOPMed 0.00001; ExAC 0.00002; gnomAD 0.00003.
gnomAD v4.1: 28 of 1,614,096 alleles (0.0017%); highest among the groups gnomAD compares: Admixed American, 0.005%; no homozygotes.

Submissions (4):

PreventionGenetics, part of Exact Sciences
Classification: Uncertain significance for JAG1-related condition. Last evaluated: 2026-02-03. Review status: criteria provided, single submitter. Criteria: ACMG Guidelines, 2015. Collection method: clinical testing. Allele origin: germline.
Comment: The JAG1 c.494G>A variant is predicted to result in the amino acid substitution p.Arg165Gln. To our knowledge, this variant has not been reported in the literature. This variant is reported in 0.0056% of alleles in individuals of Latino descent in gnomAD. Of note, a different substitution at the same codon, defined as c.493C>T (p.Arg165Trp), was reported in an individual with congenital hypothyroidism (Supplementary Table 4, Yamaguchi et al. 2020. PubMed ID: 32459320). At this time, the clinical significance of the c.494G>A (p.Arg165Gln) variant is uncertain due to the absence of conclusive functional and genetic evidence.

Labcorp Genetics (formerly Invitae), Labcorp
Classification: Likely benign for Alagille syndrome due to a JAG1 point mutation. Last evaluated: 2026-01-19. Review status: criteria provided, single submitter. Criteria: Invitae Variant Classification Sherloc (09022015). Collection method: clinical testing. Allele origin: germline.

CeGaT Center for Human Genetics Tuebingen
Classification: Uncertain significance. Last evaluated: 2025-02-01. Review status: criteria provided, single submitter. Criteria: CeGaT Center For Human Genetics Tuebingen Variant Classification Criteria Version 2. Collection method: clinical testing. Allele origin: germline. Affected: yes. Observed: 1 variant allele.
Comment: JAG1: PM2

Eurofins Ntd Llc (ga)
Classification: Uncertain significance. Last evaluated: 2017-10-02. Review status: criteria provided, single submitter. Criteria: EGL Classification Definitions 2015. Collection method: clinical testing. Allele origin: germline. Observed: 1 variant allele, 1 homozygote.

NM_000214.3(JAG1):c.494G>A (p.Arg165Gln)

Gene: JAG1 (jagged canonical Notch ligand 1; minus strand). Cytogenetic location: 20p12.2.
Variant type: single nucleotide variant.
Coding change: c.494G>A on transcript NM_000214.3 (MANE Select); coding-DNA position 494, G replaced by A.
Protein change: p.Arg165Gln; replaces arginine 165 with glutamine.
Molecular consequence: missense variant.
Genome position (GRCh38, 1-based): chr20:10,658,668, C>T on the plus strand (G>A on the coding strand, the complement: JAG1 is on the minus strand). VCF-style: chr20-10658668-C-T. GRCh37 (hg19) VCF-style: chr20-10639316-C-T.
Other names: c.494G>A, p.Arg165Gln (LRG_1191t1); c.494G>A (NM_000214.2); short protein forms R165Q.
Identifiers: ClinVar variation 594344 (VCV000594344.21), dbSNP rs779793192, ClinGen allele CA9765119.